The following is an entry in ClinVar:

ClinVar aggregate classification (germline): Uncertain significance. Review status: criteria provided, multiple submitters, no conflicts (2 of 4 stars). 2 submissions from 2 submitters: Uncertain significance (2). Last evaluated 2025-07-21.

Conditions:
Congenital myasthenic syndrome 8. Also called: Myasthenic syndrome, congenital, 8, with pre- and postsynaptic defects; MYASTHENIC SYNDROME, CONGENITAL, DUE TO AGRIN DEFICIENCY. Identifiers: Orphanet 590, MedGen C3808739, MONDO:0014052, OMIM 615120.

Allele frequency attached by ClinVar (database versions not stated): gnomAD exomes below 0.00001; TOPMed 0.00002.
gnomAD v4.1: 1 of 1,611,300 alleles (0.000062%); highest among the groups gnomAD compares: Admixed American, 0.0017%; no homozygotes.

Submissions (2):

Mayo Clinic Laboratories, Mayo Clinic
Classification: Uncertain significance. Last evaluated: 2025-07-21. Review status: criteria provided, single submitter. Criteria: ACMG Guidelines, 2015. Collection method: clinical testing. Allele origin: germline. Observed: 2 variant alleles.
Comment: PM2_supporting

Labcorp Genetics (formerly Invitae), Labcorp
Classification: Uncertain significance for Congenital myasthenic syndrome 8. Last evaluated: 2025-03-31. Review status: criteria provided, single submitter. Criteria: Invitae Variant Classification Sherloc (09022015). Collection method: clinical testing. Allele origin: germline.
Comment: This sequence change replaces proline, which is neutral and non-polar, with histidine, which is basic and polar, at codon 412 of the AGRN protein (p.Pro412His). This variant is present in population databases (no rsID available, gnomAD 0.003%). This variant has not been reported in the literature in individuals affected with AGRN-related conditions. ClinVar contains an entry for this variant (Variation ID: 999044). An algorithm developed to predict the effect of missense changes on protein structure and function (PolyPhen-2) suggests that this variant is likely to be disruptive. In summary, the available evidence is currently insufficient to determine the role of this variant in disease. Therefore, it has been classified as a Variant of Uncertain Significance.

NM_198576.4(AGRN):c.1235C>A (p.Pro412His)

Gene: AGRN (agrin; plus strand). Cytogenetic location: 1p36.33.
Variant type: single nucleotide variant.
Coding change: c.1235C>A on transcript NM_198576.4 (MANE Select); coding-DNA position 1235, C replaced by A.
Protein change: p.Pro412His; replaces proline 412 with histidine.
Molecular consequence: missense variant.
Genome position (GRCh38, 1-based): chr1:1,042,013, C>A. VCF-style: chr1-1042013-C-A. GRCh37 (hg19) VCF-style: chr1-977393-C-A.
Other names: p.Pro412His; c.1235C>A, p.Pro412His (NM_001305275.2); c.920C>A, p.Pro307His (NM_001364727.2); short protein forms P307H, P412H.
Identifiers: ClinVar variation 999044 (VCV000999044.8), dbSNP rs912828963, ClinGen allele CA16752360.